The following is an entry in ClinVar:

NM_004984.4(KIF5A):c.1312C>G (p.Gln438Glu)

Gene: KIF5A (kinesin family member 5A; plus strand). Cytogenetic location: 12q13.3.
Variant type: single nucleotide variant.
Coding change: c.1312C>G on transcript NM_004984.4 (MANE Select); coding-DNA position 1312, C replaced by G.
Protein change: p.Gln438Glu; replaces glutamine 438 with glutamic acid.
Molecular consequence: missense variant.
Genome position (GRCh38, 1-based): chr12:57,571,339, C>G. VCF-style: chr12-57571339-C-G. GRCh37 (hg19) VCF-style: chr12-57965122-C-G.
Other names: c.1045C>G, p.Gln349Glu (NM_001354705.2); short protein forms Q438E, Q349E.
Identifiers: ClinVar variation 1390217 (VCV001390217.8), dbSNP rs2140164723, ClinGen allele CA385504856.
Genomic context (GRCh38, chr12:57,571,339, plus strand): 5'-AGTAGCTTCCCTTCACCTGTCTTTCCCTGTTGCCTCCAACAGGATGATGAAATCAACCAA[C>G]AAAGCCAACTCATAGAGAAGCTCAAGCAGCAAATGCTGGACCAGGAAGAGGTAATAGGAG-3'
Protein context (NP_004975.2, residues 428-448): LDDKDDEINQ[Gln438Glu]SQLIEKLKQQ

ClinVar aggregate classification (germline): Uncertain significance (1 of 4 stars; one submission).

Conditions:
Spastic paraplegia. Identifiers: MedGen C0037772, HP:0001258.

Allele frequency attached by ClinVar (database versions not stated): gnomAD exomes below 0.00001.
gnomAD v4.1: 4 of 1,612,644 alleles (0.00025%); highest among the groups gnomAD compares: Non-Finnish European, 0.00034%; no homozygotes.

Submission:

Labcorp Genetics (formerly Invitae), Labcorp
Classification: Uncertain significance for Spastic paraplegia. Last evaluated: 2025-08-27. Review status: criteria provided, single submitter. Criteria: Invitae Variant Classification Sherloc (09022015). Collection method: clinical testing. Allele origin: germline.
Comment: This sequence change replaces glutamine, which is neutral and polar, with glutamic acid, which is acidic and polar, at codon 438 of the KIF5A protein (p.Gln438Glu). This variant is not present in population databases (gnomAD no frequency). This variant has not been reported in the literature in individuals affected with KIF5A-related conditions. ClinVar contains an entry for this variant (Variation ID: 1390217). Invitae Evidence Modeling of protein sequence and biophysical properties (such as structural, functional, and spatial information, amino acid conservation, physicochemical variation, residue mobility, and thermodynamic stability) has been performed for this missense variant. However, the output from this modeling did not meet the statistical confidence thresholds required to predict the impact of this variant on KIF5A protein function. In summary, the available evidence is currently insufficient to determine the role of this variant in disease. Therefore, it has been classified as a Variant of Uncertain Significance.